The following is an entry in ClinVar:

NM_001205293.3(CACNA1E):c.5293T>C (p.Tyr1765His)

Gene: CACNA1E (calcium voltage-gated channel subunit alpha1 E; plus strand). Cytogenetic location: 1q25.3.
Variant type: single nucleotide variant.
Coding change: c.5293T>C on transcript NM_001205293.3 (MANE Select); coding-DNA position 5293, T replaced by C.
Protein change: p.Tyr1765His; replaces tyrosine 1765 with histidine.
Molecular consequence: missense variant.
Genome position (GRCh38, 1-based): chr1:181,781,452, T>C. VCF-style: chr1-181781452-T-C. GRCh37 (hg19) VCF-style: chr1-181750588-T-C.
Other names: c.5293T>C, p.Tyr1765His (NM_000721.4); c.5236T>C, p.Tyr1746His (NM_001205294.2); short protein forms Y1746H, Y1765H.
Identifiers: ClinVar variation 2801155 (VCV002801155.3), dbSNP rs1660425307, ClinGen allele CA343630134.

ClinVar aggregate classification (germline): Uncertain significance (1 of 4 stars; one submission).

Allele frequency attached by ClinVar (database versions not stated): gnomAD exomes below 0.00001; TOPMed below 0.00001; gnomAD 0.00001.
gnomAD v4.1: 2 of 1,592,506 alleles (0.00013%); highest among the groups gnomAD compares: Non-Finnish European, 0.00017%; no homozygotes.

Submission:

Labcorp Genetics (formerly Invitae), Labcorp
Classification: Uncertain significance. Last evaluated: 2023-01-16. Review status: criteria provided, single submitter. Criteria: Invitae Variant Classification Sherloc (09022015). Collection method: clinical testing. Allele origin: germline.
Comment: In summary, the available evidence is currently insufficient to determine the role of this variant in disease. Therefore, it has been classified as a Variant of Uncertain Significance. Algorithms developed to predict the effect of missense changes on protein structure and function (SIFT, PolyPhen-2, Align-GVGD) all suggest that this variant is likely to be disruptive. This variant has not been reported in the literature in individuals affected with CACNA1E-related conditions. This variant is not present in population databases (gnomAD no frequency). This sequence change replaces tyrosine, which is neutral and polar, with histidine, which is basic and polar, at codon 1765 of the CACNA1E protein (p.Tyr1765His).